The following is an entry in ClinVar:

ClinVar aggregate classification (germline): Pathogenic (1 of 4 stars; one submission).

Conditions:
Ehlers-Danlos syndrome, type 4 (EDSVASC). Also called: Ehlers-Danlos syndrome vascular type; Ehlers Danlos syndrome, ecchymotic type; Ehlers Danlos syndrome, arterial type; Ehlers Danlos syndrome, Sack-Barabas type; Ehlers-Danlos Syndrome Type IV. Identifiers: Orphanet 286, MedGen C0268338, MONDO:0017314, OMIM 130050.

Submission:

Labcorp Genetics (formerly Invitae), Labcorp
Classification: Pathogenic for Ehlers-Danlos syndrome, type 4. Last evaluated: 2025-01-27. Review status: criteria provided, single submitter. Criteria: Invitae Variant Classification Sherloc (09022015). Collection method: clinical testing. Allele origin: germline.
Comment: This sequence change affects an acceptor splice site in intron 14 of the COL3A1 gene. It is expected to disrupt RNA splicing. Variants that disrupt the donor or acceptor splice site typically lead to a loss of protein function (PMID: 16199547), and loss-of-function variants in COL3A1 are known to be pathogenic (PMID: 24922459). This variant is not present in population databases (gnomAD no frequency). Disruption of this splice site has been observed in individuals with COL3A1-related conditions (PMID: 24399159, 24922459, 30793832, 30919682; internal data). ClinVar contains an entry for this variant (Variation ID: 1509592). Algorithms developed to predict the effect of sequence changes on RNA splicing suggest that this variant may disrupt the consensus splice site. For these reasons, this variant has been classified as Pathogenic.

Literature cited by the submitters: PubMed 16199547; PubMed 24922459; PubMed 24399159; PubMed 30793832; PubMed 30919682.

NM_000090.4(COL3A1):c.997-1G>T

Gene: COL3A1 (collagen type III alpha 1 chain; plus strand). Cytogenetic location: 2q32.2.
Variant type: single nucleotide variant.
Coding change: c.997-1G>T on transcript NM_000090.4 (MANE Select); the canonical splice acceptor site of the intron before coding-DNA position 997, G replaced by T.
Molecular consequence: splice acceptor variant.
Genome position (GRCh38, 1-based): chr2:188,992,886, G>T. VCF-style: chr2-188992886-G-T. GRCh37 (hg19) VCF-style: chr2-189857612-G-T.
Identifiers: ClinVar variation 1509592 (VCV001509592.6), dbSNP rs587779687, ClinGen allele CA349850166.